The following is an entry in ClinVar:

NM_000135.4(FANCA):c.2708G>A (p.Trp903Ter)

Gene: FANCA (FA complementation group A; minus strand). Cytogenetic location: 16q24.3.
Variant type: single nucleotide variant.
Coding change: c.2708G>A on transcript NM_000135.4 (MANE Select); coding-DNA position 2708, G replaced by A.
Protein change: p.Trp903Ter; replaces tryptophan 903 with a stop codon.
Molecular consequence: nonsense.
Genome position (GRCh38, 1-based): chr16:89,764,960, C>T on the plus strand (G>A on the coding strand, the complement: FANCA is on the minus strand). VCF-style: chr16-89764960-C-T. GRCh37 (hg19) VCF-style: chr16-89831368-C-T.
Other names: c.2708G>A, p.Trp903Ter (NM_001286167.3); short protein forms W903*.
Identifiers: ClinVar variation 974336 (VCV000974336.9), dbSNP rs1354272260, ClinGen allele CA397438224.

ClinVar aggregate classification (germline): Pathogenic/Likely pathogenic. Review status: criteria provided, multiple submitters, no conflicts (2 of 4 stars). 3 submissions from 3 submitters: Pathogenic (1); Likely pathogenic (1). 1 of the submissions does not count toward it. Last evaluated 2023-12-30.

Conditions:
Fanconi anemia (FA). Also called: Fanconi's anemia. Identifiers: Orphanet 84, MedGen C0015625, MeSH D005199, MONDO:0019391.
Fanconi anemia complementation group A (FANCA). Also called: Fanconi anemia, group A; FANCA-Related Fanconi Anemia. Identifiers: Orphanet 84, MedGen C3469521, MONDO:0009215, OMIM 227650.

Allele frequency attached by ClinVar (database versions not stated): TOPMed below 0.00001.

Submissions (3):

Fulgent Genetics
Classification: Likely pathogenic for Fanconi anemia complementation group A. Last evaluated: 2023-12-30. Review status: criteria provided, single submitter. Criteria: ACMG Guidelines, 2015. Collection method: clinical testing. Allele origin: germline.

Labcorp Genetics (formerly Invitae), Labcorp
Classification: Pathogenic for Fanconi anemia. Last evaluated: 2021-06-03. Review status: criteria provided, single submitter. Criteria: Invitae Variant Classification Sherloc (09022015). Collection method: clinical testing. Allele origin: germline.
Comment: For these reasons, this variant has been classified as Pathogenic. This sequence change creates a premature translational stop signal (p.Trp903*) in the FANCA gene. It is expected to result in an absent or disrupted protein product. Loss-of-function variants in FANCA are known to be pathogenic (PMID: 19367192). This variant is not present in population databases (ExAC no frequency). This variant has been observed in individual(s) with Fanconi anemia (PMID: 15643609). ClinVar contains an entry for this variant (Variation ID: 974336).

Leiden Open Variation Database
Classification: Pathogenic for Fanconi anemia complementation group A. Last evaluated: 2020-02-28. Review status: no assertion criteria provided. Collection method: curation. Allele origin: germline. Affected: yes. Not counted in ClinVar's aggregate classification.
Comment: Curator: Arleen D. Auerbach. Submitter to LOVD: Arleen D. Auerbach.

Literature cited by the submitters: PubMed 19367192 (cited by Labcorp Genetics (formerly Invitae), Labcorp); PubMed 15643609 (cited by Labcorp Genetics (formerly Invitae), Labcorp).